The following is an entry in ClinVar:

NM_001312909.2(FAM111A):c.1624G>A (p.Gly542Ser)

Gene: FAM111A (FAM111 trypsin like peptidase A; plus strand). Cytogenetic location: 11q12.1.
Variant type: single nucleotide variant.
Coding change: c.1624G>A on transcript NM_001312909.2 (MANE Select); coding-DNA position 1624, G replaced by A.
Protein change: p.Gly542Ser; replaces glycine 542 with serine.
Molecular consequence: missense variant.
Genome position (GRCh38, 1-based): chr11:59,153,292, G>A. VCF-style: chr11-59153292-G-A. GRCh37 (hg19) VCF-style: chr11-58920765-G-A.
Other names: c.1624G>A, p.Gly542Ser (NM_001142519.3, NM_001142520.3, NM_001142521.3 and 29 more transcripts); short protein forms G542S.
Identifiers: ClinVar variation 2160556 (VCV002160556.4), dbSNP rs762362894, ClinGen allele CA6016799.

ClinVar aggregate classification (germline): Uncertain significance (1 of 4 stars; one submission).

Allele frequency attached by ClinVar (database versions not stated): gnomAD exomes 0.00001; gnomAD 0.00002; ExAC 0.00004; TOPMed 0.00005.
gnomAD v4.1: 22 of 1,613,956 alleles (0.0014%); highest among the groups gnomAD compares: Admixed American, 0.015%; no homozygotes.

Submission:

Labcorp Genetics (formerly Invitae), Labcorp
Classification: Uncertain significance. Last evaluated: 2025-10-15. Review status: criteria provided, single submitter. Criteria: Invitae Variant Classification Sherloc (09022015). Collection method: clinical testing. Allele origin: germline.
Comment: This sequence change replaces glycine, which is neutral and non-polar, with serine, which is neutral and polar, at codon 542 of the FAM111A protein (p.Gly542Ser). This variant is present in population databases (rs762362894, gnomAD 0.02%). This variant has not been reported in the literature in individuals affected with FAM111A-related conditions. ClinVar contains an entry for this variant (Variation ID: 2160556). Invitae Evidence Modeling of protein sequence and biophysical properties (such as structural, functional, and spatial information, amino acid conservation, physicochemical variation, residue mobility, and thermodynamic stability) indicates that this missense variant is expected to disrupt FAM111A protein function with a positive predictive value of 80%. In summary, the available evidence is currently insufficient to determine the role of this variant in disease. Therefore, it has been classified as a Variant of Uncertain Significance.